The following is an entry in ClinVar:

NM_001367805.3(KIF23):c.305A>G (p.His102Arg)

Gene: KIF23 (kinesin family member 23; plus strand). Cytogenetic location: 15q23.
Variant type: single nucleotide variant.
Coding change: c.305A>G on transcript NM_001367805.3 (MANE Select); coding-DNA position 305, A replaced by G.
Protein change: p.His102Arg; replaces histidine 102 with arginine.
Molecular consequence: missense variant. On other transcripts: non-coding transcript variant (2).
Genome position (GRCh38, 1-based): chr15:69,421,741, A>G. VCF-style: chr15-69421741-A-G. GRCh37 (hg19) VCF-style: chr15-69714080-A-G.
Other names: c.112A>G, p.Met38Val (NM_001281301.2); c.305A>G, p.His102Arg (NM_001367804.2, NM_004856.7, NM_138555.4); short protein forms M38V, H102R.
Identifiers: ClinVar variation 1916003 (VCV001916003.5), dbSNP rs1052766722, ClinGen allele CA393001334.
Genomic context (GRCh38, chr15:69,421,741, plus strand): 5'-ACACCACCCAGAAGGAACTCTTTGATGTTGTGGCTAATCCCTTGGTCAATGACCTCATTC[A>G]TGGCAAAAATGGTATGATATGACTCTTGGAGTTTTGTTAGATTTTCCTTTTTCTCCTCTT-3'
Protein context (NP_001354734.1, residues 92-112): VANPLVNDLI[His102Arg]GKNGLLFTYG

ClinVar aggregate classification (germline): Uncertain significance (1 of 4 stars; one submission).

Allele frequency attached by ClinVar (database versions not stated): gnomAD 0.00001; TOPMed 0.00001.

Submission:

Labcorp Genetics (formerly Invitae), Labcorp
Classification: Uncertain significance. Last evaluated: 2025-08-06. Review status: criteria provided, single submitter. Criteria: Invitae Variant Classification Sherloc (09022015). Collection method: clinical testing. Allele origin: germline.
Comment: This sequence change replaces histidine, which is basic and polar, with arginine, which is basic and polar, at codon 102 of the KIF23 protein (p.His102Arg). This variant is not present in population databases (gnomAD no frequency). This variant has not been reported in the literature in individuals affected with KIF23-related conditions. ClinVar contains an entry for this variant (Variation ID: 1916003). Invitae Evidence Modeling of protein sequence and biophysical properties (such as structural, functional, and spatial information, amino acid conservation, physicochemical variation, residue mobility, and thermodynamic stability) indicates that this missense variant is not expected to disrupt KIF23 protein function with a negative predictive value of 80%. In summary, the available evidence is currently insufficient to determine the role of this variant in disease. Therefore, it has been classified as a Variant of Uncertain Significance.